The following is an entry in ClinVar:

ClinVar aggregate classification (germline): Likely benign. Review status: criteria provided, multiple submitters, no conflicts (2 of 4 stars). 4 submissions from 4 submitters: Likely benign (4). Last evaluated 2026-03-05.

Conditions:
CXCR2-related disorder. Also called: CXCR2-related condition.

Allele frequency attached by ClinVar (database versions not stated): ExAC 0.00043; gnomAD 0.00123 and 0.00135; 1000 Genomes Project 30x 0.00125; TOPMed 0.00136; 1000 Genomes Project 0.00140; ESP Exome Variant Server 0.00200.
gnomAD v4.1: 356 of 1,614,192 alleles (0.022%); highest among the groups gnomAD compares: African/African-American, 0.39%; 3 homozygotes.

Submissions (4):

PreventionGenetics, part of Exact Sciences
Classification: Likely benign for CXCR2-related condition. Last evaluated: 2026-03-05. Review status: criteria provided, single submitter. Criteria: ACMG Guidelines, 2015. Collection method: clinical testing. Allele origin: germline.
Comment: This variant is classified as likely benign based on ACMG/AMP sequence variant interpretation guidelines (Richards et al. 2015 PMID: 25741868, with internal and published modifications).

Labcorp Genetics (formerly Invitae), Labcorp
Classification: Likely benign. Last evaluated: 2026-01-28. Review status: criteria provided, single submitter. Criteria: Invitae Variant Classification Sherloc (09022015). Collection method: clinical testing. Allele origin: germline.

Blueprint Genetics
Classification: Likely benign. Last evaluated: 2024-10-18. Review status: criteria provided, single submitter. Criteria: ACMG Guidelines, 2015. Collection method: clinical testing. Allele origin: germline.

Genomic Diagnostic Laboratory, Division of Genomic Diagnostics, Children's Hospital of Philadelphia
Classification: Likely benign. Last evaluated: 2015-07-30. Review status: criteria provided, single submitter. Criteria: DGD Variant Analysis Guidelines. Collection method: clinical testing. Allele origin: unknown.

NM_001557.4(CXCR2):c.235G>A (p.Gly79Ser)

Gene: CXCR2 (C-X-C motif chemokine receptor 2; plus strand). Cytogenetic location: 2q35.
Variant type: single nucleotide variant.
Coding change: c.235G>A on transcript NM_001557.4 (MANE Select); coding-DNA position 235, G replaced by A.
Protein change: p.Gly79Ser; replaces glycine 79 with serine.
Molecular consequence: missense variant.
Genome position (GRCh38, 1-based): chr2:218,135,036, G>A. VCF-style: chr2-218135036-G-A. GRCh37 (hg19) VCF-style: chr2-218999759-G-A.
Other names: c.235G>A (NM_001168298.1); c.235G>A, p.Gly79Ser (NM_001168298.2); short protein forms G79S.
Identifiers: ClinVar variation 252588 (VCV000252588.13), dbSNP rs149364972, ClinGen allele CA2101666.